The following is an entry in ClinVar:

NM_012186.3(FOXE3):c.1A>T (p.Met1Leu)

Genes: FOXE3 (forkhead box E3; plus strand), LINC01389 (long independently transcribed non-coding RNA 1389; minus strand). Cytogenetic location: 1p33.
Variant type: single nucleotide variant.
Coding change: c.1A>T on transcript NM_012186.3 (MANE Select); coding-DNA position 1, A replaced by T.
Protein change: p.Met1Leu; changes the start codon (methionine 1).
Molecular consequence: missense variant, initiator codon variant.
Genome position (GRCh38, 1-based): chr1:47,416,316, A>T. VCF-style: chr1-47416316-A-T. GRCh37 (hg19) VCF-style: chr1-47881988-A-T.
Other names: short protein forms M1L.
Identifiers: ClinVar variation 2107969 (VCV002107969.5), dbSNP rs2521314487, ClinGen allele CA340248823.

ClinVar aggregate classification (germline): Uncertain significance (1 of 4 stars; one submission).

Conditions:
Congenital primary aphakia. Also called: ANTERIOR SEGMENT DYSGENESIS 2; Anterior segment dysgenesis 2, multiple subtypes. Identifiers: Orphanet 83461, MedGen C1853230, MONDO:0012456, OMIM 610256.
Anterior segment dysgenesis. Also called: Ocular anterior segment dysgenesis. Identifiers: Orphanet 88632, MedGen C1862839, MONDO:0019503, HP:0007700.

Submission:

Labcorp Genetics (formerly Invitae), Labcorp
Classification: Uncertain significance for Anterior segment dysgenesis; Congenital primary aphakia. Last evaluated: 2022-03-09. Review status: criteria provided, single submitter. Criteria: Invitae Variant Classification Sherloc (09022015). Collection method: clinical testing. Allele origin: germline.
Comment: This sequence change affects the initiator methionine of the FOXE3 mRNA. The next in-frame methionine is located at codon 7. In summary, the available evidence is currently insufficient to determine the role of this variant in disease. Therefore, it has been classified as a Variant of Uncertain Significance. Experimental studies and prediction algorithms are not available or were not evaluated, and the functional significance of this variant is currently unknown. Disruption of the initiator codon has been observed in individual(s) with autosomal dominant FOXE3-related conditions (Invitae). This variant is not present in population databases (gnomAD no frequency).